The following is an entry in ClinVar:

ClinVar aggregate classification (germline): Uncertain significance (1 of 4 stars; one submission).

Conditions:
Cardiovascular phenotype. Identifiers: MedGen CN230736.

gnomAD v4.1: 2 of 1,546,152 alleles (0.00013%); highest among the groups gnomAD compares: African/African-American, 0.0027%; no homozygotes.

Submission:

Ambry Genetics
Classification: Uncertain significance for Cardiovascular phenotype. Last evaluated: 2026-06-24. Review status: criteria provided, single submitter. Criteria: Ambry Variant Classification Scheme 2023. Collection method: clinical testing. Allele origin: germline.
Comment: The p.S621N variant (also known as c.1862G>A), located in coding exon 15 of the ENG gene, results from a G to A substitution at nucleotide position 1862. The serine at codon 621 is replaced by asparagine, an amino acid with highly similar properties. This amino acid position is conserved. In addition, this alteration is predicted to be tolerated by in silico analysis. Based on the available evidence, the clinical significance of this variant remains unclear.

NM_001114753.3(ENG):c.1862G>A (p.Ser621Asn)

Gene: ENG (endoglin; minus strand). Cytogenetic location: 9q34.11.
Variant type: single nucleotide variant.
Coding change: c.1862G>A on transcript NM_001114753.3 (MANE Select); coding-DNA position 1862, G replaced by A.
Protein change: p.Ser621Asn; replaces serine 621 with asparagine.
Molecular consequence: missense variant. On other transcripts: 3 prime UTR variant (1).
Genome position (GRCh38, 1-based): chr9:127,815,797, C>T on the plus strand (G>A on the coding strand, the complement: ENG is on the minus strand). VCF-style: chr9-127815797-C-T. GRCh37 (hg19) VCF-style: chr9-130578076-C-T.
Other names: c.*120G>A (NM_000118.4); c.1316G>A, p.Ser439Asn (NM_001278138.2); short protein forms S621N, S439N.
Identifiers: ClinVar variation 5035928 (VCV005035928.1).